The following is an entry in ClinVar:

NM_001830.4(CLCN4):c.974C>T (p.Thr325Met)

Gene: CLCN4 (Cl-/H+ antiporter 4; plus strand). Cytogenetic location: Xp22.2.
Variant type: single nucleotide variant.
Coding change: c.974C>T on transcript NM_001830.4 (MANE Select); coding-DNA position 974, C replaced by T.
Protein change: p.Thr325Met; replaces threonine 325 with methionine.
Molecular consequence: missense variant.
Genome position (GRCh38, 1-based): chrX:10,208,175, C>T. VCF-style: chrX-10208175-C-T. GRCh37 (hg19) VCF-style: chrX-10176215-C-T.
Other names: c.692C>T, p.Thr231Met (NM_001256944.2); short protein forms T231M, T325M.
Identifiers: ClinVar variation 3901904 (VCV003901904.1).
Genomic context (GRCh38, chrX:10,208,175, plus strand): 5'-TGAGATCCATCAATCCCTTTGGGAATAGCCGTCTCGTTCTCTTTTATGTGGAATACCACA[C>T]GCCCTGGTACATGGCTGAACTCTTCCCCTTCATCCTGCTTGGGGTCTTCGGGGGCTTGTG-3'
Protein context (NP_001821.2, residues 315-335): RLVLFYVEYH[Thr325Met]PWYMAELFPF

ClinVar aggregate classification (germline): Uncertain significance (1 of 4 stars; one submission).

Conditions:
Intellectual disability, X-linked 49 (MRXSRC). Also called: CLCN4-related X-linked intellectual disability syndrome; RAYNAUD-CLAES SYNDROME; MENTAL RETARDATION, X-LINKED 15; MRX49; CLCN4-Related Neurodevelopmental Disorder. Identifiers: Orphanet 485350, Orphanet 777, MedGen C0796221, MONDO:0010250, OMIM 300114.

gnomAD v4.1: 3 of 1,211,392 alleles (0.00025%); highest among the groups gnomAD compares: Non-Finnish European, 0.00034%; no homozygotes.

Submission:

Laboratorio de Genetica e Diagnostico Molecular, Hospital Israelita Albert Einstein
Classification: Uncertain significance for Intellectual disability, X-linked 49. Last evaluated: 2024-09-27. Review status: criteria provided, single submitter. Criteria: ACMG Guidelines, 2015. Collection method: clinical testing. Allele origin: germline. Affected: yes.
Comment: ACMG classification criteria: PM2 supporting